The following is an entry in ClinVar:

NM_006017.3(PROM1):c.782C>T (p.Thr261Ile)

Gene: PROM1 (prominin 1; minus strand). Cytogenetic location: 4p15.32.
Variant type: single nucleotide variant.
Coding change: c.782C>T on transcript NM_006017.3 (MANE Select); coding-DNA position 782, C replaced by T.
Protein change: p.Thr261Ile; replaces threonine 261 with isoleucine.
Molecular consequence: missense variant.
Genome position (GRCh38, 1-based): chr4:16,023,328, G>A on the plus strand (C>T on the coding strand, the complement: PROM1 is on the minus strand). VCF-style: chr4-16023328-G-A. GRCh37 (hg19) VCF-style: chr4-16024951-G-A.
Other names: c.755C>T, p.Thr252Ile (NM_001145847.2, NM_001145848.2, NM_001145851.2 and 4 more transcripts); c.782C>T, p.Thr261Ile (NM_001145849.2, NM_001145850.2); short protein forms T252I, T261I.
Identifiers: ClinVar variation 2060472 (VCV002060472.4), dbSNP rs1214470986, ClinGen allele CA356422560.
Genomic context (GRCh38, chr4:16,023,328, plus strand): 5'-GCCAAGCCCAGGGACTCCTGGATGGAACTTTCTTTGGTCATTTTTGCCCACTGCTTACCT[G>A]TTGCCATGGACTTAATCTCATCAAGAACAGGGATGATGTTGGGTCTCAGTCGGTCAAGAA-3'
Protein context (NP_006008.1, residues 251-271): PVLDEIKSMA[Thr261Ile]AIKETKEALE

ClinVar aggregate classification (germline): Uncertain significance (1 of 4 stars; one submission).

Allele frequency attached by ClinVar (database versions not stated): gnomAD exomes below 0.00001.
gnomAD v4.1: 2 of 1,599,414 alleles (0.00013%); highest among the groups gnomAD compares: Admixed American, 0.0034%; no homozygotes.

Submission:

Labcorp Genetics (formerly Invitae), Labcorp
Classification: Uncertain significance. Last evaluated: 2022-10-13. Review status: criteria provided, single submitter. Criteria: Invitae Variant Classification Sherloc (09022015). Collection method: clinical testing. Allele origin: germline.
Comment: In summary, the available evidence is currently insufficient to determine the role of this variant in disease. Therefore, it has been classified as a Variant of Uncertain Significance. Algorithms developed to predict the effect of missense changes on protein structure and function are either unavailable or do not agree on the potential impact of this missense change (SIFT: "Tolerated"; PolyPhen-2: "Possibly Damaging"; Align-GVGD: "Class C0"). This variant has not been reported in the literature in individuals affected with PROM1-related conditions. The frequency data for this variant in the population databases is considered unreliable, as metrics indicate poor data quality at this position in the gnomAD database. This sequence change replaces threonine, which is neutral and polar, with isoleucine, which is neutral and non-polar, at codon 261 of the PROM1 protein (p.Thr261Ile).